The following is an entry in ClinVar:

NM_000535.7(PMS2):c.226G>C (p.Glu76Gln)

Gene: PMS2 (PMS1 homolog 2, mismatch repair system component; minus strand). Cytogenetic location: 7p22.1.
Variant type: single nucleotide variant.
Coding change: c.226G>C on transcript NM_000535.7 (MANE Select); coding-DNA position 226, G replaced by C.
Protein change: p.Glu76Gln; replaces glutamic acid 76 with glutamine.
Molecular consequence: missense variant. On other transcripts: 5 prime UTR variant (9), non-coding transcript variant (1).
Genome position (GRCh38, 1-based): chr7:6,003,996, C>G on the plus strand (G>C on the coding strand, the complement: PMS2 is on the minus strand). VCF-style: chr7-6003996-C-G. GRCh37 (hg19) VCF-style: chr7-6043627-C-G.
Other names: c.-180G>C (NM_001322003.2, NM_001322004.2, NM_001322005.2 and 3 more transcripts); c.226G>C, p.Glu76Gln (NM_001322006.2, NM_001322014.2); c.11G>C, p.Arg4Thr (NM_001322007.2, NM_001322008.2); c.-659G>C (NM_001322011.2, NM_001322012.2); c.-259G>C (NM_001322015.2); short protein forms E76Q, R4T.
Identifiers: ClinVar variation 233194 (VCV000233194.26), dbSNP rs371682056, ClinGen allele CA047194.

ClinVar aggregate classification (germline): Uncertain significance. Review status: criteria provided, multiple submitters, no conflicts (2 of 4 stars). 7 submissions from 7 submitters: Uncertain significance (7). Last evaluated 2026-01-06.

Conditions:
Hereditary cancer-predisposing syndrome. Also called: Neoplastic Syndromes, Hereditary; Tumor predisposition; Hereditary Cancer Syndrome; Hereditary neoplastic syndrome. Identifiers: Orphanet 140162, MedGen C0027672, MeSH D009386, MONDO:0015356.
Hereditary nonpolyposis colorectal neoplasms. Identifiers: MedGen C0009405, MeSH D003123.
Lynch syndrome 4 (LYNCH4). Also called: Colorectal cancer, hereditary nonpolyposis, type 4; Hereditary non-polyposis colorectal cancer, type 4. Identifiers: Orphanet 144, MedGen C1838333, MONDO:0013699, OMIM 614337. Disease mechanism: loss of function.
Lynch syndrome. Identifiers: Orphanet 144, MedGen C4552100, MONDO:0005835. Disease mechanism: loss of function.

Allele frequency attached by ClinVar (database versions not stated): ExAC 0.00001; gnomAD exomes 0.00001 and 0.00002; TOPMed 0.00002; gnomAD 0.00007; ESP Exome Variant Server 0.00008.
gnomAD v4.1: 19 of 1,603,834 alleles (0.0012%); highest among the groups gnomAD compares: Admixed American, 0.025%; no homozygotes.

Submissions (7):

Labcorp Genetics (formerly Invitae), Labcorp
Classification: Uncertain significance for Hereditary nonpolyposis colorectal neoplasms. Last evaluated: 2026-01-06. Review status: criteria provided, single submitter. Criteria: Invitae Variant Classification Sherloc (09022015). Collection method: clinical testing. Allele origin: germline.
Comment: This sequence change replaces glutamic acid, which is acidic and polar, with glutamine, which is neutral and polar, at codon 76 of the PMS2 protein (p.Glu76Gln). This variant is present in population databases (rs371682056, gnomAD 0.01%). This variant has not been reported in the literature in individuals affected with PMS2-related conditions. ClinVar contains an entry for this variant (Variation ID: 233194). Invitae Evidence Modeling incorporating data from in vitro experimental studies (internal data) indicates that this missense variant is not expected to disrupt PMS2 function with a negative predictive value of 95%. In summary, the available evidence is currently insufficient to determine the role of this variant in disease. Therefore, it has been classified as a Variant of Uncertain Significance.

Color Diagnostics, LLC DBA Color Health
Classification: Uncertain significance for Hereditary cancer-predisposing syndrome. Last evaluated: 2025-01-21. Review status: criteria provided, single submitter. Criteria: ACMG Guidelines, 2015. Collection method: clinical testing. Allele origin: germline.
Comment: This missense variant replaces glutamic acid with glutamine at codon 76 of the PMS2 protein. Computational prediction suggests that this variant may not impact protein structure and function (internally defined REVEL score threshold <= 0.5, PMID: 27666373). To our knowledge, functional studies have not been reported for this variant. This variant has not been reported in individuals affected with PMS2-related disorders in the literature. This variant has been identified in 19/1603834 chromosomes in the general population by the Genome Aggregation Database (gnomAD). The available evidence is insufficient to determine the role of this variant in disease conclusively. Therefore, this variant is classified as a Variant of Uncertain Significance.

Ambry Genetics
Classification: Uncertain significance for Hereditary cancer-predisposing syndrome. Last evaluated: 2024-08-02. Review status: criteria provided, single submitter. Criteria: Ambry Variant Classification Scheme 2023. Collection method: clinical testing. Allele origin: germline.
Comment: The p.E76Q variant (also known as c.226G>C), located in coding exon 3 of the PMS2 gene, results from a G to C substitution at nucleotide position 226. The glutamic acid at codon 76 is replaced by glutamine, an amino acid with highly similar properties. This variant was identified in 1 of 68 unrelated individuals with a personal and/or family history of breast and/or ovarian cancer (Zidan J et al. Breast Cancer Res Treat, 2017 Dec;166:881-885). This amino acid position is well conserved in available vertebrate species. In addition, the in silico prediction for this alteration is inconclusive. Based on the available evidence, the clinical significance of this variant remains unclear.

All of Us Research Program, National Institutes of Health
Classification: Uncertain significance for Lynch syndrome. Last evaluated: 2024-05-30. Review status: criteria provided, single submitter. Criteria: ACMG Guidelines, 2015. Collection method: clinical testing. Allele origin: germline. Inheritance: Autosomal dominant inheritance. Observed: 1 variant allele, 1 heterozygote.
Comment: This missense variant replaces glutamic acid with glutamine at codon 76 of the PMS2 protein. Computational prediction suggests that this variant may not impact protein structure and function (internally defined REVEL score threshold <= 0.5, PMID: 27666373). To our knowledge, functional studies have not been reported for this variant. This variant has not been reported in individuals affected with PMS2-related disorders in the literature. This variant has been identified in 6/250858 chromosomes in the general population by the Genome Aggregation Database (gnomAD). The available evidence is insufficient to determine the role of this variant in disease conclusively. Therefore, this variant is classified as a Variant of Uncertain Significance.

This study involves interpretation of variants in research participants for the purpose of population health screening. Participant phenotype was not available at the time of variant classification. Additional details can be found in publication PMID: 35346344, PMCID: PMC8962531

Quest Diagnostics Nichols Institute San Juan Capistrano
Classification: Uncertain significance. Last evaluated: 2023-11-28. Review status: criteria provided, single submitter. Criteria: Quest Diagnostics criteria. Collection method: clinical testing. Allele origin: unknown.
Comment: The PMS2 c.226G>C (p.Glu76Gln) variant has been observed in 2 breast cancer cases in a large-scale breast cancer association study (see LOVD and PMID: 33471991 (2021)).The frequency of this variant in the general population, 0.00012 (4/34582 chromosomes (Genome Aggregation Database)), is uninformative in the assessment of its pathogenicity. Analysis of this variant using bioinformatics tools for the prediction of the effect of amino acid changes on protein structure and function yielded conflicting predictions that this variant is benign or damaging. Based on the available information, we are unable to determine the clinical significance of this variant.

Baylor Genetics
Classification: Uncertain significance for Lynch syndrome 4. Last evaluated: 2023-11-03. Review status: criteria provided, single submitter. Criteria: ACMG Guidelines, 2015. Collection method: clinical testing. Allele origin: unknown.

GeneDx
Classification: Uncertain significance. Last evaluated: 2019-11-20. Review status: criteria provided, single submitter. Criteria: GeneDx Variant Classification (06012015). Collection method: clinical testing. Allele origin: germline. Affected: yes.
Comment: In silico analysis, which includes protein predictors and evolutionary conservation, supports that this variant does not alter protein structure/function; Has not been previously published as pathogenic or benign to our knowledge

Literature cited by the submitters: PubMed 28828701 (cited by Ambry Genetics); PubMed 33471991 (cited by Quest Diagnostics Nichols Institute San Juan Capistrano).